The following is an entry in ClinVar:

ClinVar aggregate classification (germline): Uncertain significance (1 of 4 stars; one submission).

Conditions:
Hereditary cancer-predisposing syndrome. Also called: Hereditary neoplastic syndrome; Neoplastic Syndromes, Hereditary; Tumor predisposition; Hereditary Cancer Syndrome. Identifiers: Orphanet 140162, MedGen C0027672, MeSH D009386, MONDO:0015356.

Submission:

Ambry Genetics
Classification: Uncertain significance for Hereditary cancer-predisposing syndrome. Last evaluated: 2025-01-29. Review status: criteria provided, single submitter. Criteria: Ambry Variant Classification Scheme 2023. Collection method: clinical testing. Allele origin: germline.
Comment: The p.K1453N variant (also known as c.4359A>C), located in coding exon 10 of the BRCA2 gene, results from an A to C substitution at nucleotide position 4359. The lysine at codon 1453 is replaced by asparagine, an amino acid with similar properties. This amino acid position is not well conserved in available vertebrate species. In addition, this alteration is predicted to be tolerated by in silico analysis. Based on the available evidence, the clinical significance of this variant remains unclear.

NM_000059.4(BRCA2):c.4359A>C (p.Lys1453Asn)

Gene: BRCA2 (BRCA2 DNA repair associated; plus strand). Cytogenetic location: 13q13.1.
Variant type: single nucleotide variant.
Coding change: c.4359A>C on transcript NM_000059.4 (MANE Select); coding-DNA position 4359, A replaced by C.
Protein change: p.Lys1453Asn; replaces lysine 1453 with asparagine.
Molecular consequence: missense variant. On other transcripts: non-coding transcript variant (1), intron variant (2).
Genome position (GRCh38, 1-based): chr13:32,338,714, A>C. VCF-style: chr13-32338714-A-C. GRCh37 (hg19) VCF-style: chr13-32912851-A-C.
Other names: c.4359A>C, p.Lys1453Asn (NM_001406719.1, NM_001406720.1, NM_001432077.1); c.1909+5327A>C (NM_001406721.1); c.425-5844A>C (NM_001406722.1); short protein forms K1453N.
Identifiers: ClinVar variation 3825432 (VCV003825432.1).